The following is an entry in ClinVar:

ClinVar aggregate classification (germline): Uncertain significance (1 of 4 stars; one submission).

Conditions:
Baller-Gerold syndrome (BGS). Also called: CRANIOSYNOSTOSIS WITH RADIAL DEFECTS. Identifiers: Orphanet 1225, MedGen C0265308, MONDO:0009039, OMIM 218600.

gnomAD v4.1: 2 of 1,567,860 alleles (0.00013%); highest among the groups gnomAD compares: East Asian, 0.0048%; no homozygotes.

Submission:

Labcorp Genetics (formerly Invitae), Labcorp
Classification: Uncertain significance for Baller-Gerold syndrome. Last evaluated: 2022-05-02. Review status: criteria provided, single submitter. Criteria: Invitae Variant Classification Sherloc (09022015). Collection method: clinical testing. Allele origin: germline.
Comment: This variant has not been reported in the literature in individuals affected with RECQL4-related conditions. In summary, the available evidence is currently insufficient to determine the role of this variant in disease. Therefore, it has been classified as a Variant of Uncertain Significance. ClinVar contains an entry for this variant (Variation ID: 843826). This variant is not present in population databases (gnomAD no frequency). This sequence change replaces arginine, which is basic and polar, with serine, which is neutral and polar, at codon 482 of the RECQL4 protein (p.Arg482Ser).

NM_004260.4(RECQL4):c.1444C>A (p.Arg482Ser)

Gene: RECQL4 (RecQ like helicase 4; minus strand). Cytogenetic location: 8q24.3.
Variant type: single nucleotide variant.
Coding change: c.1444C>A on transcript NM_004260.4 (MANE Select); coding-DNA position 1444, C replaced by A.
Protein change: p.Arg482Ser; replaces arginine 482 with serine.
Molecular consequence: missense variant.
Genome position (GRCh38, 1-based): chr8:144,515,189, G>T on the plus strand (C>A on the coding strand, the complement: RECQL4 is on the minus strand). VCF-style: chr8-144515189-G-T. GRCh37 (hg19) VCF-style: chr8-145740573-G-T.
Other names: short protein forms R482S.
Identifiers: ClinVar variation 843826 (VCV000843826.6), dbSNP rs573164516, ClinGen allele CA372684748.